The following is an entry in ClinVar:

NM_015272.5(RPGRIP1L):c.1709A>G (p.Lys570Arg)

Gene: RPGRIP1L (RPGRIP1 like; minus strand). Cytogenetic location: 16q12.2.
Variant type: single nucleotide variant.
Coding change: c.1709A>G on transcript NM_015272.5 (MANE Select); coding-DNA position 1709, A replaced by G.
Protein change: p.Lys570Arg; replaces lysine 570 with arginine.
Molecular consequence: missense variant.
Genome position (GRCh38, 1-based): chr16:53,652,978, T>C on the plus strand (A>G on the coding strand, the complement: RPGRIP1L is on the minus strand). VCF-style: chr16-53652978-T-C. GRCh37 (hg19) VCF-style: chr16-53686890-T-C.
Other names: c.1709A>G, p.Lys570Arg (NM_001127897.4, NM_001308334.3, NM_001330538.2); c.1709A>G (NM_015272.4); short protein forms K570R.
Identifiers: ClinVar variation 530893 (VCV000530893.15), dbSNP rs111459222, ClinGen allele CA8057714.

ClinVar aggregate classification (germline): Conflicting classifications of pathogenicity. Review status: criteria provided, conflicting classifications (1 of 4 stars). 6 submissions from 6 submitters: Uncertain significance (4); Likely benign (1). 1 of the submissions does not count toward it. Last evaluated 2026-08-26.

Conditions:
Meckel syndrome, type 5 (MKS5). Identifiers: Orphanet 564, MedGen C1969052, MONDO:0012695, OMIM 611561.
Joubert syndrome 7 (JBTS7). Identifiers: Orphanet 220497, MedGen C1969053, MONDO:0012694, OMIM 611560.
COACH syndrome 3. Identifiers: MedGen C5436841, MONDO:0030862, OMIM 619113.
RPGRIP1L-related disorder. Also called: RPGRIP1L-related condition; RPGRIP1L-related disorders. Identifiers: MedGen CN239416.
Joubert syndrome. Also called: JOUBERT-BOLTSHAUSER SYNDROME; Familial aplasia of the vermis. Identifiers: Orphanet 475, MedGen C5979921, MONDO:0018772.
Meckel-Gruber syndrome. Also called: GRUBER SYNDROME; DYSENCEPHALIA SPLANCHNOCYSTICA; Dysencephalia splachnocystica. Identifiers: Orphanet 564, MedGen C0265215, MONDO:0018921.

Allele frequency attached by ClinVar (database versions not stated): gnomAD exomes 0.00002 and 0.00003; ExAC 0.00003; gnomAD 0.00014 and 0.00016; TOPMed 0.00026; 1000 Genomes Project 0.00040; 1000 Genomes Project 30x 0.00047.
gnomAD v4.1: 101 of 1,612,122 alleles (0.0063%); highest among the groups gnomAD compares: Middle Eastern, 0.066%; 3 homozygotes.

Submissions (6):

GeneDx
Classification: Uncertain significance. Last evaluated: 2026-08-26. Review status: criteria provided, single submitter. Criteria: GeneDx Variant Classification Process June 2021. Collection method: clinical testing. Allele origin: germline.
Comment: In silico analysis suggests that this missense variant does not alter protein structure/function; Has not been previously published as pathogenic or benign to our knowledge

PreventionGenetics, part of Exact Sciences
Classification: Uncertain significance for RPGRIP1L-related condition. Last evaluated: 2026-04-03. Review status: criteria provided, single submitter. Criteria: ACMG Guidelines, 2015. Collection method: clinical testing. Allele origin: germline.
Comment: The RPGRIP1L c.1709A>G variant is predicted to result in the amino acid substitution p.Lys570Arg. To our knowledge, this variant has not been reported in the literature. This variant is reported in 0.020% of alleles in individuals of African descent in gnomAD. At this time, the clinical significance of this variant is uncertain due to the absence of conclusive functional and genetic evidence.

Fulgent Genetics
Classification: Likely benign for Joubert syndrome 7; Meckel syndrome, type 5; COACH syndrome 3. Last evaluated: 2024-05-24. Review status: criteria provided, single submitter. Criteria: ACMG Guidelines, 2015. Collection method: clinical testing. Allele origin: germline.

Labcorp Genetics (formerly Invitae), Labcorp
Classification: Uncertain significance for Joubert syndrome; Meckel-Gruber syndrome. Last evaluated: 2022-10-25. Review status: criteria provided, single submitter. Criteria: Invitae Variant Classification Sherloc (09022015). Collection method: clinical testing. Allele origin: germline.
Comment: This sequence change replaces lysine, which is basic and polar, with arginine, which is basic and polar, at codon 570 of the RPGRIP1L protein (p.Lys570Arg). This variant is present in population databases (rs111459222, gnomAD 0.02%). This variant has not been reported in the literature in individuals affected with RPGRIP1L-related conditions. ClinVar contains an entry for this variant (Variation ID: 530893). Advanced modeling of protein sequence and biophysical properties (such as structural, functional, and spatial information, amino acid conservation, physicochemical variation, residue mobility, and thermodynamic stability) performed at Invitae indicates that this missense variant is not expected to disrupt RPGRIP1L protein function. In summary, the available evidence is currently insufficient to determine the role of this variant in disease. Therefore, it has been classified as a Variant of Uncertain Significance.

Blueprint Genetics
Classification: Uncertain significance. Last evaluated: 2022-08-21. Review status: criteria provided, single submitter. Criteria: ACMG Guidelines, 2015. Collection method: clinical testing. Allele origin: germline.

Natera, Inc.
Classification: Uncertain significance for Joubert syndrome. Last evaluated: 2020-09-16. Review status: no assertion criteria provided. Collection method: clinical testing. Allele origin: germline. Not counted in ClinVar's aggregate classification.